The following is an entry in ClinVar:

ClinVar aggregate classification (germline): Uncertain significance (1 of 4 stars; one submission).

Conditions:
Dilated cardiomyopathy 1G (CMD1G). Identifiers: Orphanet 154, MedGen C1858763, MONDO:0011400, OMIM 604145.
Autosomal recessive limb-girdle muscular dystrophy type 2J (LGMDR10). Also called: Limb-girdle muscular dystrophy, type 2J; MUSCULAR DYSTROPHY, LIMB-GIRDLE, AUTOSOMAL RECESSIVE 10. Identifiers: Orphanet 140922, MedGen C1837342, MONDO:0012127, OMIM 608807.

Allele frequency attached by ClinVar (database versions not stated): gnomAD exomes below 0.00001.
gnomAD v4.1: 2 of 1,613,656 alleles (0.00012%); highest among the groups gnomAD compares: Non-Finnish European, 0.00017%; no homozygotes.

Submission:

Labcorp Genetics (formerly Invitae), Labcorp
Classification: Uncertain significance for Dilated cardiomyopathy 1G; Autosomal recessive limb-girdle muscular dystrophy type 2J. Last evaluated: 2025-10-23. Review status: criteria provided, single submitter. Criteria: Invitae Variant Classification Sherloc (09022015). Collection method: clinical testing. Allele origin: germline.
Comment: This sequence change replaces alanine, which is neutral and non-polar, with threonine, which is neutral and polar, at codon 31728 of the TTN protein (p.Ala31728Thr). This variant is not present in population databases (gnomAD no frequency). This variant has not been reported in the literature in individuals affected with TTN-related conditions. ClinVar contains an entry for this variant (Variation ID: 2026399). Experimental studies and prediction algorithms are not available or were not evaluated, and the functional significance of this variant is currently unknown. This variant is located in the A band of TTN (PMID: 25589632). Variants in this region may be relevant for cardiac or neuromuscular disorders (PMID: 25589632, 23975875). In summary, the available evidence is currently insufficient to determine the role of this variant in disease. Therefore, it has been classified as a Variant of Uncertain Significance.

Literature cited by the submitters: PubMed 25589632; PubMed 23975875.

NM_001267550.2(TTN):c.95182G>A (p.Ala31728Thr)

Genes: TTN (titin; minus strand), TTN-AS1 (TTN antisense RNA 1; plus strand). Cytogenetic location: 2q31.2.
Variant type: single nucleotide variant.
Coding change: c.95182G>A on transcript NM_001267550.2 (MANE Select); coding-DNA position 95182, G replaced by A.
Protein change: p.Ala31728Thr; replaces alanine 31728 with threonine.
Molecular consequence: missense variant.
Genome position (GRCh38, 1-based): chr2:178,546,054, C>T on the plus strand (G>A on the coding strand, the complement: TTN is on the minus strand). VCF-style: chr2-178546054-C-T. GRCh37 (hg19) VCF-style: chr2-179410781-C-T.
Other names: c.90259G>A, p.Ala30087Thr (NM_001256850.1); c.67987G>A, p.Ala22663Thr (NM_003319.4); c.87478G>A, p.Ala29160Thr (NM_133378.4); c.68362G>A, p.Ala22788Thr (NM_133432.3); c.68563G>A, p.Ala22855Thr (NM_133437.4); short protein forms A22855T, A31728T, A22788T, A22663T, A29160T, A30087T.
Identifiers: ClinVar variation 2026399 (VCV002026399.4), dbSNP rs1360534996, ClinGen allele CA349465882.